The following is an entry in ClinVar:

NM_000535.7(PMS2):c.993C>T (p.Cys331=)

Gene: PMS2 (PMS1 homolog 2, mismatch repair system component; minus strand). Cytogenetic location: 7p22.1.
Variant type: single nucleotide variant.
Coding change: c.993C>T on transcript NM_000535.7 (MANE Select); coding-DNA position 993, C replaced by T.
Protein change: p.Cys331=; no amino-acid change (cysteine 331 retained).
Molecular consequence: synonymous variant. On other transcripts: non-coding transcript variant (1), intron variant (2).
Genome position (GRCh38, 1-based): chr7:5,989,951, G>A on the plus strand (C>T on the coding strand, the complement: PMS2 is on the minus strand). VCF-style: chr7-5989951-G-A. GRCh37 (hg19) VCF-style: chr7-6029582-G-A.
Other names: c.588C>T, p.Cys196= (NM_001322003.2, NM_001322004.2, NM_001322005.2 and 1 more transcripts); c.675C>T, p.Cys225= (NM_001322007.2, NM_001322008.2); c.60C>T, p.Cys20= (NM_001322011.2, NM_001322012.2); c.420C>T, p.Cys140= (NM_001322013.2); c.993C>T, p.Cys331= (NM_001322014.2); c.684C>T, p.Cys228= (NM_001322015.2); c.583+2022C>T (NM_001322010.2); c.988+2022C>T (NM_001322006.2).
Identifiers: ClinVar variation 231726 (VCV000231726.31), dbSNP rs186577215, ClinGen allele CA052862.

ClinVar aggregate classification (germline): Conflicting classifications of pathogenicity. Review status: criteria provided, conflicting classifications (1 of 4 stars). 14 submissions from 14 submitters: Uncertain significance (2); Benign (2); Likely benign (9). 1 of the submissions does not count toward it. Last evaluated 2025-12-06.

Conditions:
PMS2-related disorder. Also called: PMS2-related condition.
Mismatch repair cancer syndrome 4. Identifiers: MedGen C5436817, MONDO:0030843, OMIM 619101.
Lynch syndrome 4 (LYNCH4). Also called: Hereditary non-polyposis colorectal cancer, type 4; Colorectal cancer, hereditary nonpolyposis, type 4. Identifiers: Orphanet 144, MedGen C1838333, MONDO:0013699, OMIM 614337. Disease mechanism: loss of function.
Hereditary nonpolyposis colorectal neoplasms. Identifiers: MedGen C0009405, MeSH D003123.
Hereditary cancer-predisposing syndrome. Also called: Neoplastic Syndromes, Hereditary; Hereditary Cancer Syndrome; Tumor predisposition; Hereditary neoplastic syndrome. Identifiers: Orphanet 140162, MedGen C0027672, MeSH D009386, MONDO:0015356.
Lynch syndrome. Identifiers: Orphanet 144, MedGen C4552100, MONDO:0005835. Disease mechanism: loss of function.
Breast and/or ovarian cancer. Identifiers: MedGen CN221562.

Allele frequency attached by ClinVar (database versions not stated): gnomAD exomes 0.00001 and 0.00003; ExAC 0.00004; ESP Exome Variant Server 0.00008; gnomAD 0.00008 and 0.00009; TOPMed 0.00011; 1000 Genomes Project 30x 0.00016; 1000 Genomes Project 0.00020.
gnomAD v4.1: 32 of 1,580,874 alleles (0.002%); highest among the groups gnomAD compares: African/African-American, 0.03%; no homozygotes.

Submissions (14):

Labcorp Genetics (formerly Invitae), Labcorp
Classification: Likely benign for Hereditary nonpolyposis colorectal neoplasms. Last evaluated: 2025-12-06. Review status: criteria provided, single submitter. Criteria: Invitae Variant Classification Sherloc (09022015). Collection method: clinical testing. Allele origin: germline.

Myriad Genetics, Inc.
Classification: Benign for Lynch syndrome 4. Last evaluated: 2025-01-29. Review status: criteria provided, single submitter. Criteria: Myriad Autosomal Dominant, Autosomal Recessive and X-Linked Classification Criteria (2023). Collection method: clinical testing. Allele origin: unknown.
Comment: This variant is considered benign. This variant is a silent/synonymous amino acid change and it is not expected to impact splicing.

All of Us Research Program, National Institutes of Health
Classification: Likely benign for Lynch syndrome. Last evaluated: 2024-07-10. Review status: criteria provided, single submitter. Criteria: ACMG Guidelines, 2015. Collection method: clinical testing. Allele origin: germline. Inheritance: Autosomal dominant inheritance. Observed: 7 variant alleles, 7 heterozygotes.
Comment: This study involves interpretation of variants in research participants for the purpose of population health screening. Participant phenotype was not available at the time of variant classification. Additional details can be found in publication PMID: 35346344, PMCID: PMC8962531

Department of Pathology and Laboratory Medicine, Sinai Health System
Classification: Likely benign for Lynch syndrome 4; Mismatch repair cancer syndrome 4. Last evaluated: 2024-03-21. Review status: criteria provided, single submitter. Criteria: ACMG Guidelines, 2015. Collection method: clinical testing. Allele origin: germline. Affected: no.

Blueprint Genetics
Classification: Likely benign. Last evaluated: 2023-09-27. Review status: criteria provided, single submitter. Criteria: ACMG Guidelines, 2015. Collection method: clinical testing. Allele origin: germline.

Quest Diagnostics Nichols Institute San Juan Capistrano
Classification: Uncertain significance. Last evaluated: 2023-08-30. Review status: criteria provided, single submitter. Criteria: Quest Diagnostics criteria. Collection method: clinical testing. Allele origin: unknown.
Comment: In the published literature, this variant has been reported as a somatic variant in colorectal or endometrial cancer tumors (PMID: 29887214 (2014)). The frequency of this variant in the general population, 0.00028 (7/24808 chromosomes (Genome Aggregation Database)), is uninformative in the assessment of its pathogenicity. Analysis of this variant using software algorithms for the prediction of the effect of nucleotide changes on splicing yielded predictions that this variant does not affect PMS2 mRNA splicing . Based on the available information, we are unable to determine the clinical significance of this variant.

CHEO Genetics Diagnostic Laboratory, Children's Hospital of Eastern Ontario
Classification: Likely benign for Breast and/or ovarian cancer. Last evaluated: 2022-11-09. Review status: criteria provided, single submitter. Criteria: ACMG Guidelines, 2015. Collection method: clinical testing. Allele origin: germline.

Women's Health and Genetics/Laboratory Corporation of America, LabCorp
Classification: Likely benign. Last evaluated: 2021-07-28. Review status: criteria provided, single submitter. Criteria: LabCorp Variant Classification Summary - May 2015. Collection method: clinical testing. Allele origin: germline.

Sema4
Classification: Uncertain significance for Hereditary cancer-predisposing syndrome. Last evaluated: 2021-07-27. Review status: criteria provided, single submitter. Criteria: Sema4 Curation Guidelines. Collection method: curation. Allele origin: germline.
Comment: The PMS2 c.993C>T (p.C331=) variant has not been reported in literature to our knowledge. This variant was observed in 7/24808 chromosomes in the African/African American population, according to the Genome Aggregation Database (PMID: 32461654). This variant has been reported in ClinVar (Variation ID 231726). The nucleotide is conserved and in silico tools that predict the effect of sequence changes on splicing suggest that this variant does not impact splicing, though these predictions have not been confirmed by functional studies. The overall evidence is insufficient to meet ACMG/AMP criteria for classifying it as benign or pathogenic. In summary, the clinical significance of this variant is currently uncertain.

GeneDx
Classification: Likely benign. Last evaluated: 2020-09-16. Review status: criteria provided, single submitter. Criteria: GeneDx Variant Classification Process June 2021. Collection method: clinical testing. Allele origin: germline. Affected: yes.

University of Washington Department of Laboratory Medicine, University of Washington
Classification: Benign for Lynch syndrome. Last evaluated: 2018-05-01. Review status: criteria provided, single submitter. Criteria: Shirts BH et al. (Am J Hum Genet 2018). Collection method: clinical testing. Allele origin: somatic. Affected: yes.
Comment: PMS2 NM_000535.5:c.993C>T has a 0.9% probability of pathogenicity based on combining prior probability from public data with a likelihood ratio of 0.16 to 1, generated from evidence of seeing this as a somatic mutation in a tumor with loss of heterozygosity at the PMS2 locus. See Shirts et al 2018, PMID 29887214.

Color Diagnostics, LLC DBA Color Health
Classification: Likely benign for Hereditary cancer-predisposing syndrome. Last evaluated: 2017-10-02. Review status: criteria provided, single submitter. Criteria: ACMG Guidelines, 2015. Collection method: clinical testing. Allele origin: germline.

Ambry Genetics
Classification: Likely benign for Hereditary cancer-predisposing syndrome. Last evaluated: 2015-05-08. Review status: criteria provided, single submitter. Criteria: Ambry Variant Classification Scheme 2023. Collection method: clinical testing. Allele origin: germline.

PreventionGenetics, part of Exact Sciences
Classification: Likely benign for PMS2-related condition. Last evaluated: 2022-04-19. Review status: no assertion criteria provided. Collection method: clinical testing. Allele origin: germline. Not counted in ClinVar's aggregate classification.
Comment: This variant is classified as likely benign based on ACMG/AMP sequence variant interpretation guidelines (Richards et al. 2015 PMID: 25741868, with internal and published modifications).

Literature cited by the submitters: PubMed 29887214 (cited by Department of Pathology and Laboratory Medicine, Sinai Health System and Quest Diagnostics Nichols Institute San Juan Capistrano).